The following is an entry in ClinVar:

NM_015231.3(NUP160):c.1896G>A (p.Arg632=)

Gene: NUP160 (nucleoporin 160; minus strand). Cytogenetic location: 11p11.2.
Variant type: single nucleotide variant.
Coding change: c.1896G>A on transcript NM_015231.3 (MANE Select); coding-DNA position 1896, G replaced by A.
Protein change: p.Arg632=; no amino-acid change (arginine 632 retained).
Molecular consequence: synonymous variant. On other transcripts: non-coding transcript variant (1).
Genome position (GRCh38, 1-based): chr11:47,812,384, C>T on the plus strand (G>A on the coding strand, the complement: NUP160 is on the minus strand). VCF-style: chr11-47812384-C-T. GRCh37 (hg19) VCF-style: chr11-47833936-C-T.
Other names: p.Arg666=; c.1998G>A (NM_015231.2).
Identifiers: ClinVar variation 1528705 (VCV001528705.10), dbSNP rs61756071, ClinGen allele CA5981153.
Genomic context (GRCh38, chr11:47,812,384, plus strand): 5'-TTCCACTTCTGTTTCATAATCCATTTCCCGTATAAGTAGTCCAATTGCATGGATTGGGTT[C>T]CTAATCTCTTGCAGTTTACTACAAATATCCTCCATCACATTTTCTCTATAAGGACAATTA-3'
Protein context (NP_056046.2, residues 622-642): EDICSKLQEI[Arg632=]NPIHAIGLLI

ClinVar aggregate classification (germline): Benign. Review status: criteria provided, multiple submitters, no conflicts (2 of 4 stars). 3 submissions from 3 submitters: Benign (3). Last evaluated 2026-02-01.

Allele frequency attached by ClinVar (database versions not stated): 1000 Genomes Project 30x 0.00812; 1000 Genomes Project 0.00899; gnomAD 0.01102 and 0.01111; TOPMed 0.01139; ESP Exome Variant Server 0.01246; gnomAD exomes 0.01271 and 0.01689; ExAC 0.01287.
gnomAD v4.1: 26,310 of 1,613,618 alleles (1.6%); highest among the groups gnomAD compares: East Asian, 3.7%; 280 homozygotes.

Submissions (3):

Labcorp Genetics (formerly Invitae), Labcorp
Classification: Benign. Last evaluated: 2026-02-01. Review status: criteria provided, single submitter. Criteria: Invitae Variant Classification Sherloc (09022015). Collection method: clinical testing. Allele origin: germline.

Mayo Clinic Laboratories, Mayo Clinic
Classification: Benign. Last evaluated: 2025-01-06. Review status: criteria provided, single submitter. Criteria: ACMG Guidelines, 2015. Collection method: clinical testing. Allele origin: germline. Observed: 2 variant alleles.
Comment: BS1, BS2, BP4, BP7

Breakthrough Genomics
Classification: Benign. Review status: criteria provided, single submitter. Criteria: ACMG Guidelines, 2015. Collection method: not provided. Allele origin: germline. Inheritance: Autosomal recessive inheritance. Affected: yes.